The following is an entry in ClinVar:

NM_003801.4(GPAA1):c.183G>T (p.Glu61Asp)

Gene: GPAA1 (glycosylphosphatidylinositol anchor attachment 1; plus strand). Cytogenetic location: 8q24.3.
Variant type: single nucleotide variant.
Coding change: c.183G>T on transcript NM_003801.4 (MANE Select); coding-DNA position 183, G replaced by T.
Protein change: p.Glu61Asp; replaces glutamic acid 61 with aspartic acid.
Molecular consequence: missense variant.
Genome position (GRCh38, 1-based): chr8:144,083,232, G>T. VCF-style: chr8-144083232-G-T. GRCh37 (hg19) VCF-style: chr8-145138135-G-T.
Other names: short protein forms E61D.
Identifiers: ClinVar variation 1361516 (VCV001361516.3), dbSNP rs1453165466, ClinGen allele CA372597584.
Genomic context (GRCh38, chr8:144,083,232, plus strand): 5'-CCCGCCGCTGACCCAGCGCACTTACATGTCGGAGAACGCCATGGGCTCCACCATGGTGGA[G>T]GAGCAGTTTGCGGGCGGAGACCGTGCCCGGGCTTTTGCCCGGGACTTCGCCGCCCACCGC-3'
Protein context (NP_003792.1, residues 51-71): SENAMGSTMV[Glu61Asp]EQFAGGDRAR

ClinVar aggregate classification (germline): Uncertain significance (1 of 4 stars; one submission).

Allele frequency attached by ClinVar (database versions not stated): gnomAD 0.00001; TOPMed 0.00001.
gnomAD v4.1: 2 of 1,610,024 alleles (0.00012%); highest among the groups gnomAD compares: African/African-American, 0.0027%; no homozygotes.

Submission:

Labcorp Genetics (formerly Invitae), Labcorp
Classification: Uncertain significance. Last evaluated: 2022-07-18. Review status: criteria provided, single submitter. Criteria: Invitae Variant Classification Sherloc (09022015). Collection method: clinical testing. Allele origin: germline.
Comment: This sequence change replaces glutamic acid, which is acidic and polar, with aspartic acid, which is acidic and polar, at codon 61 of the GPAA1 protein (p.Glu61Asp). This variant is present in population databases (no rsID available, gnomAD 0.01%). This variant has not been reported in the literature in individuals affected with GPAA1-related conditions. ClinVar contains an entry for this variant (Variation ID: 1361516). Algorithms developed to predict the effect of missense changes on protein structure and function (SIFT, PolyPhen-2, Align-GVGD) all suggest that this variant is likely to be tolerated. In summary, the available evidence is currently insufficient to determine the role of this variant in disease. Therefore, it has been classified as a Variant of Uncertain Significance.